The following is an entry in ClinVar:

ClinVar aggregate classification (germline): Benign (0 of 4 stars; one submission).

Conditions:
ZC3H4-related disorder. Also called: ZC3H4-related condition.

Allele frequency attached by ClinVar (database versions not stated): gnomAD exomes 0.00090; ExAC 0.00256; gnomAD 0.00821; 1000 Genomes Project 0.00879; ESP Exome Variant Server 0.00881; TOPMed 0.00948; 1000 Genomes Project 30x 0.00999.
gnomAD v4.1: 2,596 of 1,610,774 alleles (0.16%); highest among the groups gnomAD compares: African/African-American, 3%; 27 homozygotes.

Submission:

PreventionGenetics, part of Exact Sciences
Classification: Benign for ZC3H4-related condition. Last evaluated: 2019-11-07. Review status: no assertion criteria provided. Collection method: clinical testing. Allele origin: germline.
Comment: This variant is classified as benign based on ACMG/AMP sequence variant interpretation guidelines (Richards et al. 2015 PMID: 25741868, with internal and published modifications).

NM_015168.2(ZC3H4):c.1530G>A (p.Pro510=)

Gene: ZC3H4 (zinc finger CCCH-type containing 4; minus strand). Cytogenetic location: 19q13.32.
Variant type: single nucleotide variant.
Coding change: c.1530G>A on transcript NM_015168.2 (MANE Select); coding-DNA position 1530, G replaced by A.
Protein change: p.Pro510=; no amino-acid change (proline 510 retained).
Molecular consequence: synonymous variant.
Genome position (GRCh38, 1-based): chr19:47,072,624, C>T on the plus strand (G>A on the coding strand, the complement: ZC3H4 is on the minus strand). VCF-style: chr19-47072624-C-T. GRCh37 (hg19) VCF-style: chr19-47575881-C-T.
Identifiers: ClinVar variation 3043645 (VCV003043645.2), dbSNP rs143699469, ClinGen allele CA9535173.